The following is an entry in ClinVar:

ClinVar aggregate classification (germline): Likely benign. Review status: criteria provided, multiple submitters, no conflicts (2 of 4 stars). 2 submissions from 2 submitters: Likely benign (2). Last evaluated 2026-09-01.

Allele frequency attached by ClinVar (database versions not stated): 1000 Genomes Project 0.00180; 1000 Genomes Project 30x 0.00187; gnomAD 0.00413 and 0.00437; TOPMed 0.00422; gnomAD exomes 0.00628.
gnomAD v4.1: 2,219 of 398,554 alleles (0.56%); highest among the groups gnomAD compares: Non-Finnish European, 0.64%; 19 homozygotes.

Submissions (2):

CeGaT Center for Human Genetics Tuebingen
Classification: Likely benign. Last evaluated: 2026-09-01. Review status: criteria provided, single submitter. Criteria: CeGaT Center For Human Genetics Tuebingen Variant Classification Criteria Version 2. Collection method: clinical testing. Allele origin: germline. Affected: yes. Observed: 119 variant alleles.
Comment: KCNQ1OT1: BS2; KCNQ1: BS2

Blueprint Genetics
Classification: Likely benign. Last evaluated: 2024-11-27. Review status: criteria provided, single submitter. Criteria: ACMG Guidelines, 2015. Collection method: clinical testing. Allele origin: germline.

NM_000218.3(KCNQ1):c.1514+20004C>T

Genes: KCNQ1 (potassium voltage-gated channel subfamily Q member 1; plus strand), KCNQ1OT1 (KCNQ1 opposite strand/antisense transcript 1; minus strand). Cytogenetic location: 11p15.5.
Variant type: single nucleotide variant.
Coding change: c.1514+20004C>T on transcript NM_000218.3 (MANE Select); 20004 bases into the intron after coding-DNA position 1514, C replaced by T.
Molecular consequence: intron variant.
Genome position (GRCh38, 1-based): chr11:2,682,085, C>T. VCF-style: chr11-2682085-C-T. GRCh37 (hg19) VCF-style: chr11-2703315-C-T.
Other names: c.1244+20004C>T (NM_001406837.1); c.1418+20004C>T (NM_001406836.1); c.974+20004C>T (NM_001406838.1); c.1133+20004C>T (NM_181798.2).
Identifiers: ClinVar variation 1694624 (VCV001694624.32), dbSNP rs138628534, ClinGen allele CA216185798.